The following is an entry in ClinVar:

ClinVar aggregate classification (germline): Likely benign (1 of 4 stars; one submission).

Conditions:
Intellectual developmental disorder, autosomal dominant 52. Also called: Mental retardation, autosomal dominant 52; Intellectual disability, autosomal dominant 52. Identifiers: MedGen C4540478, MONDO:0030918, OMIM 617796.

Allele frequency attached by ClinVar (database versions not stated): TOPMed below 0.00001; gnomAD 0.00001; gnomAD exomes 0.00001.
gnomAD v4.1: 21 of 1,614,054 alleles (0.0013%); highest among the groups gnomAD compares: Non-Finnish European, 0.0018%; no homozygotes.

Submission:

CeGaT Center for Human Genetics Tuebingen
Classification: Likely benign. Last evaluated: 2023-12-01. Review status: criteria provided, single submitter. Criteria: CeGaT Center For Human Genetics Tuebingen Variant Classification Criteria Version 2. Collection method: clinical testing. Allele origin: germline. Affected: yes. Observed: 1 variant allele.
Comment: ASH1L: BP4

NM_018489.3(ASH1L):c.1559A>G (p.Glu520Gly)

Gene: ASH1L (ASH1 like histone lysine methyltransferase; minus strand). Cytogenetic location: 1q22.
Variant type: single nucleotide variant.
Coding change: c.1559A>G on transcript NM_018489.3 (MANE Select); coding-DNA position 1559, A replaced by G.
Protein change: p.Glu520Gly; replaces glutamic acid 520 with glycine.
Molecular consequence: missense variant.
Genome position (GRCh38, 1-based): chr1:155,481,311, T>C on the plus strand (A>G on the coding strand, the complement: ASH1L is on the minus strand). VCF-style: chr1-155481311-T-C. GRCh37 (hg19) VCF-style: chr1-155451102-T-C.
Other names: c.1559A>G, p.Glu520Gly (NM_001366177.2); short protein forms E520G.
Identifiers: ClinVar variation 2505095 (VCV002505095.24), dbSNP rs755638760, ClinGen allele CA342732720.
Genomic context (GRCh38, chr1:155,481,311, plus strand): 5'-ACATCAGAAGCACCTCCCATTTTAAAGTCCGGAGAAGTGCAATATACAGGAGGCTGCTTT[T>C]CATGCTTTGAGGTTTCATAAGATCCCTTTTCACTGGATGAGAAACTGTCTTGCTGAATGC-3'
Protein context (NP_060959.2, residues 510-530): EKGSYETSKH[Glu520Gly]KQPPVYCTSP